The following is an entry in ClinVar:

NM_194456.1(KRIT1):c.-701C>T

Genes: ANKIB1 (ankyrin repeat and IBR domain containing 1; plus strand), KRIT1 (KRIT1 ankyrin repeat containing; minus strand), LOC113748416 (Sharpr-MPRA regulatory region 5961; plus strand). Cytogenetic location: 7q21.2.
Variant type: single nucleotide variant.
Coding change: c.-701C>T on transcript NM_194456.1; 701 bases upstream of the start codon, C replaced by T.
Molecular consequence: 5 prime UTR variant.
Genome position (GRCh38, 1-based): chr7:92,246,017, G>A on the plus strand (C>T on the coding strand, the complement: KRIT1 is on the minus strand). VCF-style: chr7-92246017-G-A. GRCh37 (hg19) VCF-style: chr7-91875331-G-A.
Other names: c.-593G>A (NM_019004.2); c.-500C>T (NM_001013406.2, NM_001350690.1); c.-468C>T (NM_001350669.1); c.-648C>T (NM_001350670.1); c.-1408C>T (NM_001350671.1); c.-114C>T (NM_001350672.1); c.-384C>T (NM_001350673.1); c.-613C>T (NM_001350674.1); and 24 more.
Identifiers: ClinVar variation 360907 (VCV000360907.30), dbSNP rs553392669, ClinGen allele CA10629644.

ClinVar aggregate classification (germline): Benign/Likely benign. Review status: criteria provided, multiple submitters, no conflicts (2 of 4 stars). 4 submissions from 3 submitters: Benign (1); Likely benign (3). Last evaluated 2023-05-01.

Conditions:
Angiokeratoma corporis diffusum with arteriovenous fistulas. Identifiers: MedGen C1838141, MONDO:0010885, OMIM 600419.
Cerebral cavernous malformation (CCM). Also called: Cerebral cavernous hemangioma (type); Cerebral cavernous malformations; CAVERNOUS ANGIOMA, FAMILIAL; CAVERNOUS ANGIOMATOUS MALFORMATIONS; CEREBRAL CAPILLARY MALFORMATIONS; Cavernous Hemangioma of Brain. Identifiers: Orphanet 221061, MedGen C2919945, MONDO:0000820, OMIM 116860, HP:0033522.

Allele frequency attached by ClinVar (database versions not stated): gnomAD 0.00245 and 0.00255; 1000 Genomes Project 0.00040; 1000 Genomes Project 30x 0.00062; TOPMed 0.00276.
gnomAD v4.1: 604 of 257,024 alleles (0.23%); highest among the groups gnomAD compares: Non-Finnish European, 0.35%; 3 homozygotes.

Submissions (4):

CeGaT Center for Human Genetics Tuebingen
Classification: Likely benign. Last evaluated: 2023-05-01. Review status: criteria provided, single submitter. Criteria: CeGaT Center For Human Genetics Tuebingen Variant Classification Criteria Version 2. Collection method: clinical testing. Allele origin: germline. Affected: yes. Observed: 2 variant alleles.
Comment: KRIT1: BS1

Illumina Laboratory Services, Illumina
Classification: Likely benign for Cerebral cavernous malformation. Last evaluated: 2018-01-12. Review status: criteria provided, single submitter. Criteria: ICSL Variant Classification Criteria 13 December 2019. Collection method: clinical testing. Allele origin: germline.
Comment: This variant was observed in the ICSL laboratory as part of a predisposition screen in an ostensibly healthy population. It had not been previously curated by ICSL or reported in the Human Gene Mutation Database (HGMD: prior to June 1st, 2018), and was therefore a candidate for classification through an automated scoring system. Utilizing variant allele frequency, disease prevalence and penetrance estimates, and inheritance mode, an automated score was calculated to assess if this variant is too frequent to cause the disease. Based on the score and internal cut-off values, a variant classified as likely benign is not then subjected to further curation. The score for this variant resulted in a classification of likely benign for this disease.

Illumina Laboratory Services, Illumina
Classification: Benign for Angiokeratoma corporis diffusum with arteriovenous fistulas. Last evaluated: 2018-01-12. Review status: criteria provided, single submitter. Criteria: ICSL Variant Classification Criteria 13 December 2019. Collection method: clinical testing. Allele origin: germline.
Comment: This variant was observed in the ICSL laboratory as part of a predisposition screen in an ostensibly healthy population. It had not been previously curated by ICSL or reported in the Human Gene Mutation Database (HGMD: prior to June 1st, 2018), and was therefore a candidate for classification through an automated scoring system. Utilizing variant allele frequency, disease prevalence and penetrance estimates, and inheritance mode, an automated score was calculated to assess if this variant is too frequent to cause the disease. Based on the score and internal cut-off values, a variant classified as benign is not then subjected to further curation. The score for this variant resulted in a classification of benign for this disease.

PreventionGenetics, part of Exact Sciences
Classification: Likely benign. Last evaluated: 2017-07-25. Review status: criteria provided, single submitter. Criteria: ACMG Guidelines, 2015. Collection method: clinical testing. Allele origin: germline.